The following is an entry in ClinVar:

NM_023110.3(FGFR1):c.564_565delinsTT (p.Arg189Cys)

Gene: FGFR1 (fibroblast growth factor receptor 1; minus strand). Cytogenetic location: 8p11.23.
Variant type: Indel.
Coding change: c.564_565delinsTT on transcript NM_023110.3 (MANE Select); coding-DNA positions 564 to 565, GC replaced by TT.
Protein change: p.Arg189Cys; replaces arginine 189 with cysteine.
Molecular consequence: missense variant.
Genome position (GRCh38, 1-based): chr8:38,427,977-38,427,978, GC replaced by AA on the plus strand (GC replaced by TT on the coding strand, the reverse complement: FGFR1 is on the minus strand). VCF-style: chr8-38427977-GC-AA. GRCh37 (hg19) VCF-style: chr8-38285495-GC-AA.
Other names: c.564_565delGCinsTT, p.Arg189Cys (NM_000604.2); c.564_565delinsTT, p.Arg189Cys (NM_001174063.2); c.540_541delinsTT, p.Arg181Cys (NM_001174064.2); c.558_559delinsTT, p.Arg187Cys (NM_001174065.2, NM_001354367.2, NM_001354369.2 and 1 more transcripts); c.297_298delinsTT, p.Arg100Cys (NM_001174066.2, NM_023105.3); c.657_658delinsTT, p.Arg220Cys (NM_001174067.2); c.291_292delinsTT, p.Arg98Cys (NM_001354368.2, NM_001354370.2, NM_023106.3); c.558_559delGCinsTT, p.Arg187Cys (NM_001410922.1); short protein forms R100C, R181C, R187C, R189C, R220C, R98C.
Identifiers: ClinVar variation 2431642 (VCV002431642.1), dbSNP rs2537193583, ClinGen allele CA2580078243.
Genomic context (GRCh38, chr8:38,427,977, plus strand): 5'-GTACCTTGTAGCCTCCAATTCTGTGGTCAGGTTTGAATTCTTTGCCATTTTTCAACCAGC[GC>AA]AGTGTGGGGTTTGGGGTCCCACTGGAAGGGCATTTGAACTTCACTGTCTTGGCAGCCGGC-3'
Protein context (NP_075598.2, residues 179-199): PSSGTPNPTL[Arg189Cys]WLKNGKEFKP

ClinVar aggregate classification (germline): Uncertain significance (1 of 4 stars; one submission).

Conditions:
Hypogonadotropic hypogonadism 2 with or without anosmia (HH2). Also called: HYPOGONADOTROPIC HYPOGONADISM 2 WITHOUT ANOSMIA; FGFR1-Related GnRH Deficiency (Kallmann Syndrome 2); HYPOGONADOTROPIC HYPOGONADISM 2 WITH OR WITHOUT ANOSMIA, SUSCEPTIBILITY TO; HYPOGONADOTROPIC HYPOGONADISM 2 WITHOUT ANOSMIA, SUSCEPTIBILITY TO. Identifiers: Orphanet 478, MedGen C1563720, MONDO:0007844, OMIM 147950. Disease mechanism: loss of function.

Submission:

Laboratorio de Genetica e Diagnostico Molecular, Hospital Israelita Albert Einstein
Classification: Uncertain significance for Hypogonadotropic hypogonadism 2 with or without anosmia. Last evaluated: 2022-08-26. Review status: criteria provided, single submitter. Criteria: ACMG Guidelines, 2015. Collection method: clinical testing. Allele origin: germline. Affected: yes. Observed: 1 variant allele.
Comment: ACMG classification criteria: PM2 moderated